The following is an entry in ClinVar:

NM_001048174.2(MUTYH):c.1469G>C (p.Ser490Thr)

Gene: MUTYH (mutY DNA glycosylase; minus strand). Cytogenetic location: 1p34.1.
Variant type: single nucleotide variant.
Coding change: c.1469G>C on transcript NM_001048174.2 (MANE Select); coding-DNA position 1469, G replaced by C.
Protein change: p.Ser490Thr; replaces serine 490 with threonine.
Molecular consequence: missense variant. On other transcripts: non-coding transcript variant (7).
Genome position (GRCh38, 1-based): chr1:45,329,403, C>G on the plus strand (G>C on the coding strand, the complement: MUTYH is on the minus strand). VCF-style: chr1-45329403-C-G. GRCh37 (hg19) VCF-style: chr1-45795075-C-G.
Other names: c.1469G>C, p.Ser490Thr (NM_001048171.2, NM_001048173.2, NM_001293195.2 and 6 more transcripts); c.1472G>C, p.Ser491Thr (NM_001048172.2, NM_001407071.1, NM_001407078.1 and 1 more transcripts); c.1553G>C, p.Ser518Thr (NM_001128425.2); c.1514G>C, p.Ser505Thr (NM_001293190.2); c.1502G>C, p.Ser501Thr (NM_001293191.2, NM_001407069.1, NM_001407077.1); c.1193G>C, p.Ser398Thr (NM_001293192.2, NM_001293196.2, NM_001407091.1); c.1124G>C, p.Ser375Thr (NM_001350650.2, NM_001350651.2, NM_001407082.1); c.1385G>C, p.Ser462Thr (NM_001407075.1); and 5 more; short protein forms S375T, S477T, S501T, S515T, S398T, S476T, S504T, S505T.
Identifiers: ClinVar variation 4113354 (VCV004113354.1).

ClinVar aggregate classification (germline): Uncertain significance (1 of 4 stars; one submission).

Conditions:
Hereditary cancer-predisposing syndrome. Also called: Tumor predisposition; Neoplastic Syndromes, Hereditary; Hereditary neoplastic syndrome; Hereditary Cancer Syndrome. Identifiers: Orphanet 140162, MedGen C0027672, MeSH D009386, MONDO:0015356.

Submission:

Ambry Genetics
Classification: Uncertain significance for Hereditary cancer-predisposing syndrome. Last evaluated: 2025-08-27. Review status: criteria provided, single submitter. Criteria: Ambry Variant Classification Scheme 2023. Collection method: clinical testing. Allele origin: germline.
Comment: The p.S518T variant (also known as c.1553G>C), located in coding exon 16 of the MUTYH gene, results from a G to C substitution at nucleotide position 1553. The serine at codon 518 is replaced by threonine, an amino acid with similar properties. This amino acid position is conserved. In addition, this alteration is predicted to be tolerated by in silico analysis. Based on the available evidence, the clinical significance of this variant remains unclear.